The following is an entry in ClinVar:

ClinVar aggregate classification (germline): Likely benign. Review status: criteria provided, multiple submitters, no conflicts (2 of 4 stars). 3 submissions from 3 submitters: Likely benign (3). Last evaluated 2026-03-01.

Conditions:
Dilated cardiomyopathy 1G (CMD1G). Identifiers: Orphanet 154, MedGen C1858763, MONDO:0011400, OMIM 604145.
Autosomal recessive limb-girdle muscular dystrophy type 2J (LGMDR10). Also called: Limb-girdle muscular dystrophy, type 2J; MUSCULAR DYSTROPHY, LIMB-GIRDLE, AUTOSOMAL RECESSIVE 10. Identifiers: Orphanet 140922, MedGen C1837342, MONDO:0012127, OMIM 608807.

Allele frequency attached by ClinVar (database versions not stated): gnomAD 0.00010; ExAC 0.00014; 1000 Genomes Project 30x 0.00016; gnomAD exomes 0.00026; ESP Exome Variant Server 0.00053.
gnomAD v4.1: 383 of 1,572,552 alleles (0.024%); highest among the groups gnomAD compares: Non-Finnish European, 0.031%; 24 homozygotes.

Submissions (3):

CeGaT Center for Human Genetics Tuebingen
Classification: Likely benign. Last evaluated: 2026-03-01. Review status: criteria provided, single submitter. Criteria: CeGaT Center For Human Genetics Tuebingen Variant Classification Criteria Version 2. Collection method: clinical testing. Allele origin: germline. Affected: yes. Observed: 1 variant allele.
Comment: TTN: BP4, BP7, BS2

Labcorp Genetics (formerly Invitae), Labcorp
Classification: Likely benign for Dilated cardiomyopathy 1G; Autosomal recessive limb-girdle muscular dystrophy type 2J. Last evaluated: 2024-10-28. Review status: criteria provided, single submitter. Criteria: Invitae Variant Classification Sherloc (09022015). Collection method: clinical testing. Allele origin: germline.

Blueprint Genetics
Classification: Likely benign. Last evaluated: 2024-10-02. Review status: criteria provided, single submitter. Criteria: ACMG Guidelines, 2015. Collection method: clinical testing. Allele origin: germline.

NM_001267550.2(TTN):c.37779T>G (p.Ala12593=)

Gene: TTN (titin; minus strand). Cytogenetic location: 2q31.2.
Variant type: single nucleotide variant.
Coding change: c.37779T>G on transcript NM_001267550.2 (MANE Select); coding-DNA position 37779, T replaced by G.
Protein change: p.Ala12593=; no amino-acid change (alanine 12593 retained).
Molecular consequence: synonymous variant. On other transcripts: intron variant (5).
Genome position (GRCh38, 1-based): chr2:178,658,090, A>C on the plus strand (T>G on the coding strand, the complement: TTN is on the minus strand). VCF-style: chr2-178658090-A-C. GRCh37 (hg19) VCF-style: chr2-179522817-A-C.
Other names: c.13283-15773T>G (NM_003319.4); c.13859-15773T>G (NM_133437.4); c.13658-15773T>G (NM_133432.3); c.31741+915T>G (NM_133378.4); c.34522+915T>G (NM_001256850.1).
Identifiers: ClinVar variation 2056214 (VCV002056214.9), dbSNP rs373173616, ClinGen allele CA1997243.
Genomic context (GRCh38, chr2:178,658,090, plus strand): 5'-GAGAGGAGATATCTCTTCTGCAGAATGAAGTCAGGGCTAAAGTGTACCTGGGACAATCGG[A>C]GCTTCTGGTTTTTTGGGTGGAGCCACGGGAATTTCTTTTTCTGCGGCTTCTTGAGGAACT-3'
Protein context (NP_001254479.2, residues 12583-12603): IPVAPPKKPE[Ala12593=]PIVPVPEAQE